The following is an entry in ClinVar:

NM_001159773.2(CANT1):c.548G>A (p.Arg183Gln)

Gene: CANT1 (calcium activated nucleotidase 1; minus strand). Cytogenetic location: 17q25.3.
Variant type: single nucleotide variant.
Coding change: c.548G>A on transcript NM_001159773.2 (MANE Select); coding-DNA position 548, G replaced by A.
Protein change: p.Arg183Gln; replaces arginine 183 with glutamine.
Molecular consequence: missense variant.
Genome position (GRCh38, 1-based): chr17:78,997,075, C>T on the plus strand (G>A on the coding strand, the complement: CANT1 is on the minus strand). VCF-style: chr17-78997075-C-T. GRCh37 (hg19) VCF-style: chr17-76993157-C-T.
Other names: c.548G>A, p.Arg183Gln (NM_001159772.2, NM_138793.4); c.548G>A (NM_138793.3); short protein forms R183Q.
Identifiers: ClinVar variation 1374887 (VCV001374887.8), dbSNP rs773997993, ClinGen allele CA8808712.

ClinVar aggregate classification (germline): Uncertain significance. Review status: criteria provided, multiple submitters, no conflicts (2 of 4 stars). 2 submissions from 2 submitters: Uncertain significance (2). Last evaluated 2024-12-19.

Conditions:
Inborn genetic diseases. Identifiers: MedGen C0950123, MeSH D030342.

Allele frequency attached by ClinVar (database versions not stated): ExAC 0.00002; TOPMed 0.00015; gnomAD 0.00024 and 0.00025.
gnomAD v4.1: 85 of 1,614,100 alleles (0.0053%); highest among the groups gnomAD compares: Admixed American, 0.087%; no homozygotes.

Submissions (2):

Labcorp Genetics (formerly Invitae), Labcorp
Classification: Uncertain significance. Last evaluated: 2024-12-19. Review status: criteria provided, single submitter. Criteria: Invitae Variant Classification Sherloc (09022015). Collection method: clinical testing. Allele origin: germline.
Comment: This sequence change replaces arginine, which is basic and polar, with glutamine, which is neutral and polar, at codon 183 of the CANT1 protein (p.Arg183Gln). This variant is present in population databases (rs773997993, gnomAD 0.04%). This variant has not been reported in the literature in individuals affected with CANT1-related conditions. ClinVar contains an entry for this variant (Variation ID: 1374887). Invitae Evidence Modeling of protein sequence and biophysical properties (such as structural, functional, and spatial information, amino acid conservation, physicochemical variation, residue mobility, and thermodynamic stability) indicates that this missense variant is expected to disrupt CANT1 protein function with a positive predictive value of 95%. In summary, the available evidence is currently insufficient to determine the role of this variant in disease. Therefore, it has been classified as a Variant of Uncertain Significance.

Ambry Genetics
Classification: Uncertain significance for Inborn genetic diseases. Last evaluated: 2024-10-06. Review status: criteria provided, single submitter. Criteria: Ambry Variant Classification Scheme 2023. Collection method: clinical testing. Allele origin: germline.